The following is an entry in ClinVar:

ClinVar aggregate classification (germline): Likely benign. Review status: criteria provided, multiple submitters, no conflicts (2 of 4 stars). 9 submissions from 9 submitters: Likely benign (5). 4 of the submissions do not count toward it. Last evaluated 2026-01-27.

Conditions:
Dilated cardiomyopathy 1KK (CMD1KK). Identifiers: Orphanet 154, Orphanet 75249, MedGen C3714995, MONDO:0014100, OMIM 615248.
MYPN-related disorder. Also called: MYPN-related condition.
Cardiovascular phenotype. Identifiers: MedGen CN230736.

Allele frequency attached by ClinVar (database versions not stated): gnomAD 0.00088 and 0.00093; TOPMed 0.00094; 1000 Genomes Project 0.00100; ESP Exome Variant Server 0.00108; 1000 Genomes Project 30x 0.00109.
gnomAD v4.1: 245 of 1,610,592 alleles (0.015%); highest among the groups gnomAD compares: African/African-American, 0.29%; no homozygotes.

Submissions (9):

Labcorp Genetics (formerly Invitae), Labcorp
Classification: Likely benign for Dilated cardiomyopathy 1KK. Last evaluated: 2026-01-27. Review status: criteria provided, single submitter. Criteria: Invitae Variant Classification Sherloc (09022015). Collection method: clinical testing. Allele origin: germline.

Blueprint Genetics
Classification: Likely benign. Last evaluated: 2024-09-02. Review status: criteria provided, single submitter. Criteria: ACMG Guidelines, 2015. Collection method: clinical testing. Allele origin: germline.

GeneDx
Classification: Likely benign. Last evaluated: 2020-08-18. Review status: criteria provided, single submitter. Criteria: GeneDx Variant Classification Process June 2021. Collection method: clinical testing. Allele origin: germline. Affected: yes.

Ambry Genetics
Classification: Likely benign for Cardiovascular phenotype. Last evaluated: 2018-05-31. Review status: criteria provided, single submitter. Criteria: Ambry Variant Classification Scheme 2023. Collection method: clinical testing. Allele origin: germline.

Laboratory for Molecular Medicine, Mass General Brigham Personalized Medicine
Classification: Likely benign. Last evaluated: 2015-10-31. Review status: criteria provided, single submitter. Criteria: LMM Criteria. Collection method: clinical testing. Allele origin: germline. Observed: 1 variant allele.
Comment: p.Ala245Gly in exon 3 of MYPN: This variant is not expected to have clinical sig nificance because it has been identified in 0.3% (28/10386) of African chromosom es by the Exome Aggregation Consortium (ExAC; db SNP rs143574079).

PreventionGenetics, part of Exact Sciences
Classification: Likely benign for MYPN-related condition. Last evaluated: 2021-10-29. Review status: no assertion criteria provided. Collection method: clinical testing. Allele origin: germline. Not counted in ClinVar's aggregate classification.
Comment: This variant is classified as likely benign based on ACMG/AMP sequence variant interpretation guidelines (Richards et al. 2015 PMID: 25741868, with internal and published modifications).

Clinical Genetics DNA and cytogenetics Diagnostics Lab, Erasmus MC, Erasmus Medical Center
Classification: Likely benign. Review status: no assertion criteria provided. Collection method: clinical testing. Allele origin: germline. Affected: yes. Study: VKGL Data-share Consensus. Not counted in ClinVar's aggregate classification.

Clinical Genetics, Academic Medical Center
Classification: Likely benign. Review status: no assertion criteria provided. Collection method: clinical testing. Allele origin: germline. Affected: yes. Study: VKGL Data-share Consensus. Not counted in ClinVar's aggregate classification.

Genome Diagnostics Laboratory, University Medical Center Utrecht
Classification: Likely benign. Review status: no assertion criteria provided. Collection method: clinical testing. Allele origin: germline. Affected: yes. Study: VKGL Data-share Consensus. Not counted in ClinVar's aggregate classification.

NM_032578.4(MYPN):c.734C>G (p.Ala245Gly)

Gene: MYPN (myopalladin; plus strand). Cytogenetic location: 10q21.3.
Variant type: single nucleotide variant.
Coding change: c.734C>G on transcript NM_032578.4 (MANE Select); coding-DNA position 734, C replaced by G.
Protein change: p.Ala245Gly; replaces alanine 245 with glycine.
Molecular consequence: missense variant. On other transcripts: 5 prime UTR variant (1), non-coding transcript variant (1).
Genome position (GRCh38, 1-based): chr10:68,122,172, C>G. VCF-style: chr10-68122172-C-G. GRCh37 (hg19) VCF-style: chr10-69881929-C-G.
Other names: c.734C>G, p.Ala245Gly (NM_001256267.2); c.-389C>G (NM_001256268.2); short protein forms A245G.
Identifiers: ClinVar variation 227722 (VCV000227722.27), dbSNP rs143574079, ClinGen allele CA5522320.
Genomic context (GRCh38, chr10:68,122,172, plus strand): 5'-ATCACGCCCTGGAACAGCAGGAAGCCAAGAGGCGTGAAGCGGAGCAGGCTGCCAGTGAGG[C>G]GGCTGGTGGAGACACTACACCAGGGTCTTCCCCTTCATCTCTGTACTATGAAGAACCTCT-3'
Protein context (NP_115967.2, residues 235-255): RREAEQAASE[Ala245Gly]AGGDTTPGSS